The following is an entry in ClinVar:

ClinVar aggregate classification (germline): Uncertain significance. Review status: criteria provided, multiple submitters, no conflicts (2 of 4 stars). 2 submissions from 2 submitters: Uncertain significance (2). Last evaluated 2019-05-10.

Allele frequency attached by ClinVar (database versions not stated): ExAC 0.00002; gnomAD exomes 0.00003; gnomAD 0.00011 and 0.00013; TOPMed 0.00012.

Submissions (2):

GeneDx
Classification: Uncertain significance. Last evaluated: 2019-05-10. Review status: criteria provided, single submitter. Criteria: GeneDx Variant Classification Process June 2021. Collection method: clinical testing. Allele origin: germline. Affected: yes.
Comment: In silico analysis, which includes protein predictors and evolutionary conservation, supports that this variant does not alter protein structure/function

Breakthrough Genomics
Classification: Uncertain significance. Review status: criteria provided, single submitter. Criteria: ACMG Guidelines, 2015. Collection method: not provided. Allele origin: germline. Inheritance: Autosomal recessive inheritance. Affected: yes.

NM_016495.6(TBC1D7):c.721G>A (p.Glu241Lys)

Genes: TBC1D7 (TBC1 domain family member 7; minus strand), TBC1D7-LOC100130357 (TBC1D7-LOC100130357 readthrough; minus strand). Cytogenetic location: 6p24.1.
Variant type: single nucleotide variant.
Coding change: c.721G>A on transcript NM_016495.6 (MANE Select); coding-DNA position 721, G replaced by A.
Protein change: p.Glu241Lys; replaces glutamic acid 241 with lysine.
Molecular consequence: missense variant.
Genome position (GRCh38, 1-based): chr6:13,306,472, C>T on the plus strand (G>A on the coding strand, the complement: TBC1D7 is on the minus strand). VCF-style: chr6-13306472-C-T. GRCh37 (hg19) VCF-style: chr6-13306704-C-T.
Other names: c.721G>A, p.Glu241Lys (NM_001318809.2, NM_001143964.4, NM_001143965.4 and 1 more transcripts); c.640G>A, p.Glu214Lys (NM_001143966.4); c.583G>A, p.Glu195Lys (NM_001258457.3); short protein forms E195K, E214K, E241K.
Identifiers: ClinVar variation 1305818 (VCV001305818.3), dbSNP rs766235427, ClinGen allele CA3639639.